The following is an entry in ClinVar:

NM_004304.5(ALK):c.3571C>T (p.Pro1191Ser)

Gene: ALK (ALK receptor tyrosine kinase; minus strand). Cytogenetic location: 2p23.2.
Variant type: single nucleotide variant.
Coding change: c.3571C>T on transcript NM_004304.5 (MANE Select); coding-DNA position 3571, C replaced by T.
Protein change: p.Pro1191Ser; replaces proline 1191 with serine.
Molecular consequence: missense variant.
Genome position (GRCh38, 1-based): chr2:29,220,780, G>A on the plus strand (C>T on the coding strand, the complement: ALK is on the minus strand). VCF-style: chr2-29220780-G-A. GRCh37 (hg19) VCF-style: chr2-29443646-G-A.
Other names: c.367C>T, p.Pro123Ser (NM_001353765.2); short protein forms P1191S, P123S.
Identifiers: ClinVar variation 4834569 (VCV004834569.1).

ClinVar aggregate classification (germline): Uncertain significance (1 of 4 stars; one submission).

Conditions:
Hereditary cancer-predisposing syndrome. Also called: Neoplastic Syndromes, Hereditary; Tumor predisposition; Hereditary Cancer Syndrome; Hereditary neoplastic syndrome. Identifiers: Orphanet 140162, MedGen C0027672, MeSH D009386, MONDO:0015356.

gnomAD v4.1: 1 of 1,614,110 alleles (0.000062%); highest among the groups gnomAD compares: South Asian, 0.0011%; no homozygotes.

Submission:

Ambry Genetics
Classification: Uncertain significance for Hereditary cancer-predisposing syndrome. Last evaluated: 2026-03-04. Review status: criteria provided, single submitter. Criteria: Ambry Variant Classification Scheme 2023. Collection method: clinical testing. Allele origin: germline.
Comment: The p.P1191S variant (also known as c.3571C>T), located in coding exon 23 of the ALK gene, results from a C to T substitution at nucleotide position 3571. The proline at codon 1191 is replaced by serine, an amino acid with similar properties. This amino acid position is conserved. In addition, the in silico prediction for this alteration is inconclusive. Based on the available evidence, the clinical significance of this variant remains unclear.